The following is an entry in ClinVar:

ClinVar aggregate classification (germline): Uncertain significance. Review status: criteria provided, multiple submitters, no conflicts (2 of 4 stars). 3 submissions from 3 submitters: Uncertain significance (3). Last evaluated 2024-08-06.

Conditions:
Hereditary cancer-predisposing syndrome. Also called: Neoplastic Syndromes, Hereditary; Tumor predisposition; Hereditary Cancer Syndrome; Hereditary neoplastic syndrome. Identifiers: Orphanet 140162, MedGen C0027672, MeSH D009386, MONDO:0015356.
Hereditary nonpolyposis colorectal neoplasms. Identifiers: MedGen C0009405, MeSH D003123.

Allele frequency attached by ClinVar (database versions not stated): TOPMed 0.00001.
gnomAD v4.1: 4 of 1,614,026 alleles (0.00025%); highest among the groups gnomAD compares: Non-Finnish European, 0.00034%; no homozygotes.

Submissions (3):

Color Diagnostics, LLC DBA Color Health
Classification: Uncertain significance for Hereditary cancer-predisposing syndrome. Last evaluated: 2024-08-06. Review status: criteria provided, single submitter. Criteria: ACMG Guidelines, 2015. Collection method: clinical testing. Allele origin: germline.
Comment: This missense variant replaces arginine with proline at codon 911 of the MSH6 protein. Computational prediction suggests that this variant may have deleterious impact on protein structure and function (internally defined REVEL score threshold >= 0.7, PMID: 27666373). To our knowledge, functional studies have not been reported for this variant. This variant has not been reported in individuals affected with MSH6-related disorders in the literature. This variant has not been identified in the general population by the Genome Aggregation Database (gnomAD). The available evidence is insufficient to determine the role of this variant in disease conclusively. Therefore, this variant is classified as a Variant of Uncertain Significance.

Labcorp Genetics (formerly Invitae), Labcorp
Classification: Uncertain significance for Hereditary nonpolyposis colorectal neoplasms. Last evaluated: 2023-12-29. Review status: criteria provided, single submitter. Criteria: Invitae Variant Classification Sherloc (09022015). Collection method: clinical testing. Allele origin: germline.
Comment: This sequence change replaces arginine, which is basic and polar, with proline, which is neutral and non-polar, at codon 911 of the MSH6 protein (p.Arg911Pro). This variant is not present in population databases (gnomAD no frequency). This variant has not been reported in the literature in individuals affected with MSH6-related conditions. ClinVar contains an entry for this variant (Variation ID: 483866). Advanced modeling of protein sequence and biophysical properties (such as structural, functional, and spatial information, amino acid conservation, physicochemical variation, residue mobility, and thermodynamic stability) performed at Invitae indicates that this missense variant is not expected to disrupt MSH6 protein function with a negative predictive value of 95%. In summary, the available evidence is currently insufficient to determine the role of this variant in disease. Therefore, it has been classified as a Variant of Uncertain Significance.

Ambry Genetics
Classification: Uncertain significance for Hereditary cancer-predisposing syndrome. Last evaluated: 2017-06-07. Review status: criteria provided, single submitter. Criteria: Ambry Variant Classification Scheme 2023. Collection method: clinical testing. Allele origin: germline.
Comment: The p.R911P variant (also known as c.2732G>C), located in coding exon 4 of the MSH6 gene, results from a G to C substitution at nucleotide position 2732. The arginine at codon 911 is replaced by proline, an amino acid with dissimilar properties. This amino acid position is well conserved in available vertebrate species. In addition, this alteration is predicted to be deleterious by in silico analysis. Since supporting evidence is limited at this time, the clinical significance of this alteration remains unclear.

NM_000179.3(MSH6):c.2732G>C (p.Arg911Pro)

Gene: MSH6 (mutS homolog 6; plus strand). Cytogenetic location: 2p16.3.
Variant type: single nucleotide variant.
Coding change: c.2732G>C on transcript NM_000179.3 (MANE Select); coding-DNA position 2732, G replaced by C.
Protein change: p.Arg911Pro; replaces arginine 911 with proline.
Molecular consequence: missense variant.
Genome position (GRCh38, 1-based): chr2:47,800,715, G>C. VCF-style: chr2-47800715-G-C. GRCh37 (hg19) VCF-style: chr2-48027854-G-C.
Other names: c.2342G>C, p.Arg781Pro (NM_001281492.2); c.1826G>C, p.Arg609Pro (NM_001281493.2, NM_001281494.2); short protein forms R911P, R781P, R609P.
Identifiers: ClinVar variation 483866 (VCV000483866.11), dbSNP rs761622304, ClinGen allele CA346755379.
Genomic context (GRCh38, chr2:47,800,715, plus strand): 5'-TCTCTCTGCAGACAAAAAATCCTGAAGGTCGTTTTCCTGATTTGACTGTAGAATTGAACC[G>C]ATGGGATACAGCCTTTGACCATGAAAAGGCTCGAAAGACTGGACTTATTACTCCCAAAGC-3'
Protein context (NP_000170.1, residues 901-921): RFPDLTVELN[Arg911Pro]WDTAFDHEKA